The following is an entry in ClinVar:

NM_201384.3(PLEC):c.6664C>T (p.Gln2222Ter)

Gene: PLEC (plectin; minus strand). Cytogenetic location: 8q24.3.
Variant type: single nucleotide variant.
Coding change: c.6664C>T on transcript NM_201384.3 (MANE Select); coding-DNA position 6664, C replaced by T.
Protein change: p.Gln2222Ter; replaces glutamine 2222 with a stop codon.
Molecular consequence: nonsense.
Genome position (GRCh38, 1-based): chr8:143,923,265, G>A on the plus strand (C>T on the coding strand, the complement: PLEC is on the minus strand). VCF-style: chr8-143923265-G-A. GRCh37 (hg19) VCF-style: chr8-144997433-G-A.
Other names: c.6745C>T, p.Gln2249Ter (NM_000445.5); c.6622C>T, p.Gln2208Ter (NM_201378.4); c.6598C>T, p.Gln2200Ter (NM_201379.3); c.7075C>T, p.Gln2359Ter (NM_201380.4); c.6568C>T, p.Gln2190Ter (NM_201381.3); c.6664C>T, p.Gln2222Ter (NM_201382.4); c.6676C>T, p.Gln2226Ter (NM_201383.3); short protein forms Q2208*, Q2226*, Q2249*, Q2359*, Q2222*, Q2190*, Q2200*.
Identifiers: ClinVar variation 1455035 (VCV001455035.6), dbSNP rs1823561323, ClinGen allele CA372533025.

ClinVar aggregate classification (germline): Pathogenic (1 of 4 stars; one submission).

Conditions:
Epidermolysis bullosa simplex with nail dystrophy (EBS5D). Identifiers: MedGen C4225309, MONDO:0014661, OMIM 616487.
Epidermolysis bullosa simplex 5C, with pyloric atresia (EBS5C). Also called: PLEC-Related Epidermolysis Bullosa with Pyloric Atresia; Epidermolysis bullosa simplex with pyloric atresia; PLEC1-Related Epidermolysis Bullosa with Pyloric Atresia. Identifiers: Orphanet 158684, MedGen C2677349, MONDO:0012807, OMIM 612138.
Autosomal recessive limb-girdle muscular dystrophy type 2Q (LGMDR17). Also called: MUSCULAR DYSTROPHY, LIMB-GIRDLE, AUTOSOMAL RECESSIVE 17. Identifiers: Orphanet 254361, MedGen C3150989, MONDO:0013390, OMIM 613723.
Epidermolysis bullosa simplex 5B, with muscular dystrophy (EBS5B). Also called: Epidermolysis bullosa simplex with muscular dystrophy; EPIDERMOLYSIS BULLOSA SIMPLEX AND LIMB-GIRDLE MUSCULAR DYSTROPHY. Identifiers: Orphanet 257, MedGen C2931072, MONDO:0009181, OMIM 226670.
Epidermolysis bullosa simplex, Ogna type (EBS5A). Also called: Pidermolysis bullosa simplex 5A, Ogna type; EPIDERMOLYSIS BULLOSA SIMPLEX 5A, OGNA TYPE. Identifiers: Orphanet 79401, MedGen C0432317, MONDO:0007555, OMIM 131950.

Allele frequency attached by ClinVar (database versions not stated): gnomAD 0.00001.
gnomAD v4.1: 1 of 1,606,326 alleles (0.000062%); highest among the groups gnomAD compares: Non-Finnish European, 0.000085%; no homozygotes.

Submission:

Labcorp Genetics (formerly Invitae), Labcorp
Classification: Pathogenic for Autosomal recessive limb-girdle muscular dystrophy type 2Q; Epidermolysis bullosa simplex, Ogna type; Epidermolysis bullosa simplex with nail dystrophy; Epidermolysis bullosa simplex 5C, with pyloric atresia; Epidermolysis bullosa simplex 5B, with muscular dystrophy. Last evaluated: 2021-06-04. Review status: criteria provided, single submitter. Criteria: Invitae Variant Classification Sherloc (09022015). Collection method: clinical testing. Allele origin: germline.
Comment: For these reasons, this variant has been classified as Pathogenic. This variant has not been reported in the literature in individuals with PLEC-related conditions. This variant is not present in population databases (ExAC no frequency). This sequence change creates a premature translational stop signal (p.Gln2249*) in the PLEC gene. It is expected to result in an absent or disrupted protein product. Loss-of-function variants in PLEC are known to be pathogenic (PMID: 20301336, 20447487, 21109228, 23289980, 28824526).

Literature cited by the submitters: PubMed 20301336; PubMed 20447487; PubMed 21109228; PubMed 23289980; PubMed 28824526.